The following is an entry in ClinVar:

ClinVar aggregate classification (germline): Uncertain significance (1 of 4 stars; one submission).

Submission:

Women's Health and Genetics/Laboratory Corporation of America, LabCorp
Classification: Uncertain significance. Last evaluated: 2023-09-06. Review status: criteria provided, single submitter. Criteria: LabCorp Variant Classification Summary - May 2015. Collection method: clinical testing. Allele origin: germline.
Comment: Variant summary: The variant identified by MLPA or other technology involves the duplication of exons 1-7 in the GTPBP3 gene. The exact breakpoint at the 5' end of this variant is unknown and therefore this duplication might extend upstream of the assayed region of the GTPBP3 gene. A presumed nomenclature of c.(?_-96)_(1349+1_1350-1)dup has been designated for the purposes of this classification. It has been assumed that this is a tandem duplication in direct orientation (Richardson_GIM_2018, Newman_AJHG_2015). Since the exact breakpoints of this duplication are not known, it is not possible to predict if it causes an in-frame or an out-of-frame product. The variant was absent in 21694 control chromosomes (gnomAD, Structural Variants dataset). The available data on variant occurrences in the general population are insufficient to allow any conclusion about variant significance. To our knowledge, no occurrence of c.(?_-96)_(1349+1_1350-1)dup in individuals affected with Combined Oxidative Phosphorylation Defect Type 23 and no experimental evidence demonstrating its impact on protein function have been reported. No submitters have cited clinical-significance assessments for this variant to ClinVar after 2014. Based on the evidence outlined above, the variant was classified as uncertain significance.

NC_000019.9:g.(?_17448325)_(17452132_17452286)dup

Gene: GTPBP3 (GTP binding protein 3, mitochondrial; plus strand). Cytogenetic location: 19p13.11.
Variant type: Duplication.
Identifiers: ClinVar variation 2627138 (VCV002627138.1).